The following is an entry in ClinVar:

ClinVar aggregate classification (germline): Pathogenic (1 of 4 stars; one submission).

Conditions:
Thyroid dyshormonogenesis 6 (TDH6). Also called: HYPOTHYROIDISM, CONGENITAL, DUE TO DYSHORMONOGENESIS, 6; Genetic transient congenital hypothyroidism; THYROID HORMONOGENESIS, GENETIC DEFECT IN, 6. Identifiers: Orphanet 226316, Orphanet 95716, MedGen C1846632, MONDO:0011792, OMIM 607200.

Submission:

Juno Genomics, Hangzhou Juno Genomics, Inc
Classification: Pathogenic for Thyroid dyshormonogenesis 6. Review status: criteria provided, single submitter. Criteria: ACMG Guidelines, 2015. Collection method: clinical testing. Allele origin: germline.
Comment: Absent from controls (or at extremely low frequency if recessive) in Genome Aggregation Database.;Null variant in a gene where loss of function (LOF) is a known mechanism of disease.;For recessive disorders, detected in trans with a pathogenic variant.;Patient's phenotype or family history is highly specific for a disease with a single genetic etiology.

NM_001363711.2(DUOX2):c.596del (p.Ser199fs)

Gene: DUOX2 (dual oxidase 2; minus strand). Cytogenetic location: 15q21.1.
Variant type: Deletion.
Coding change: c.596del on transcript NM_001363711.2 (MANE Select); coding-DNA position 596, one base deleted (C; older notation c.596delC).
Protein change: p.Ser199fs; shifts the reading frame from serine 199.
Molecular consequence: frameshift variant.
Genome position (GRCh38, 1-based): chr15:45,111,503, G deleted on the plus strand (C on the coding strand, the reverse complement: DUOX2 is on the minus strand). VCF-style (leftmost placement, unchanged base first): chr15-45111502-CG-C. GRCh37 (hg19) VCF-style: chr15-45403700-CG-C.
Other names: c.596del, p.Ser199fs (NM_014080.5); short protein forms S199fs.
Identifiers: ClinVar variation 3382601 (VCV003382601.5).